The following is an entry in ClinVar:

ClinVar aggregate classification (germline): Uncertain significance. Review status: criteria provided, multiple submitters, no conflicts (2 of 4 stars). 2 submissions from 2 submitters: Uncertain significance (2). Last evaluated 2024-04-04.

Allele frequency attached by ClinVar (database versions not stated): TOPMed below 0.00001; gnomAD 0.00001.
gnomAD v4.1: 1 of 1,612,310 alleles (0.000062%); highest among the groups gnomAD compares: Non-Finnish European, 0.000085%; no homozygotes.

Submissions (2):

Ambry Genetics
Classification: Uncertain significance. Last evaluated: 2024-04-04. Review status: criteria provided, single submitter. Criteria: Ambry Variant Classification Scheme 2023. Collection method: clinical testing. Allele origin: germline.

Labcorp Genetics (formerly Invitae), Labcorp
Classification: Uncertain significance. Last evaluated: 2022-10-13. Review status: criteria provided, single submitter. Criteria: Invitae Variant Classification Sherloc (09022015). Collection method: clinical testing. Allele origin: germline.
Comment: In summary, the available evidence is currently insufficient to determine the role of this variant in disease. Therefore, it has been classified as a Variant of Uncertain Significance. Algorithms developed to predict the effect of missense changes on protein structure and function output the following: SIFT: "Tolerated"; PolyPhen-2: "Benign"; Align-GVGD: "Class C0". The valine amino acid residue is found in multiple mammalian species, which suggests that this missense change does not adversely affect protein function. ClinVar contains an entry for this variant (Variation ID: 853186). This variant has not been reported in the literature in individuals affected with ASRGL1-related conditions. This variant is not present in population databases (gnomAD no frequency). This sequence change replaces isoleucine, which is neutral and non-polar, with valine, which is neutral and non-polar, at codon 213 of the ASRGL1 protein (p.Ile213Val).

NM_001083926.2(ASRGL1):c.637A>G (p.Ile213Val)

Gene: ASRGL1 (asparaginase and isoaspartyl peptidase 1; plus strand). Cytogenetic location: 11q12.3.
Variant type: single nucleotide variant.
Coding change: c.637A>G on transcript NM_001083926.2 (MANE Select); coding-DNA position 637, A replaced by G.
Protein change: p.Ile213Val; replaces isoleucine 213 with valine.
Molecular consequence: missense variant.
Genome position (GRCh38, 1-based): chr11:62,391,548, A>G. VCF-style: chr11-62391548-A-G. GRCh37 (hg19) VCF-style: chr11-62159020-A-G.
Other names: c.637A>G, p.Ile213Val (NM_025080.4); short protein forms I213V.
Identifiers: ClinVar variation 853186 (VCV000853186.12), dbSNP rs1333456062, ClinGen allele CA380871181.